The following is an entry in ClinVar:

NM_000322.5(PRPH2):c.769_772dup (p.Tyr258fs)

Gene: PRPH2 (peripherin 2; minus strand). Cytogenetic location: 6p21.1.
Variant type: Duplication.
Coding change: c.769_772dup on transcript NM_000322.5 (MANE Select); coding-DNA positions 769 to 772, 4 bases duplicated (TACT; older notation c.769_772dupTACT).
Protein change: p.Tyr258fs; shifts the reading frame from tyrosine 258.
Molecular consequence: frameshift variant.
Genome position (GRCh38, 1-based): chr6:42,704,421-42,704,424, AGTA duplicated on the plus strand (TACT on the coding strand, the reverse complement: PRPH2 is on the minus strand). VCF-style (leftmost placement, unchanged base first): chr6-42704420-T-TAGTA. GRCh37 (hg19) VCF-style: chr6-42672158-T-TAGTA.
Other names: short protein forms Y258fs.
Identifiers: ClinVar variation 2026659 (VCV002026659.4), dbSNP rs2548300686, ClinGen allele CA2580074591.

ClinVar aggregate classification (germline): Pathogenic (1 of 4 stars; one submission).

Conditions:
PRPH2-related disorder. Also called: PRPH2-related condition; PRPH2-related disorders. Identifiers: MedGen CN239395.

Submission:

Labcorp Genetics (formerly Invitae), Labcorp
Classification: Pathogenic for PRPH2-related disorder. Last evaluated: 2024-10-22. Review status: criteria provided, single submitter. Criteria: Invitae Variant Classification Sherloc (09022015). Collection method: clinical testing. Allele origin: germline.
Comment: This sequence change creates a premature translational stop signal (p.Tyr258Leufs*44) in the PRPH2 gene. While this is not anticipated to result in nonsense mediated decay, it is expected to disrupt the last 89 amino acid(s) of the PRPH2 protein. This variant is not present in population databases (gnomAD no frequency). This variant has not been reported in the literature in individuals affected with PRPH2-related conditions. ClinVar contains an entry for this variant (Variation ID: 2026659). This variant disrupts a region of the PRPH2 protein in which other variant(s) (p.Leu307Argfs*17) have been determined to be pathogenic (PMID: 8019570, 22183351, 24265693). This suggests that this is a clinically significant region of the protein, and that variants that disrupt it are likely to be disease-causing. For these reasons, this variant has been classified as Pathogenic.

Literature cited by the submitters: PubMed 8019570; PubMed 22183351; PubMed 24265693.